The following is an entry in ClinVar:

ClinVar aggregate classification (germline): Uncertain significance (1 of 4 stars; one submission).

gnomAD v4.1: 1 of 1,613,646 alleles (0.000062%); highest among the groups gnomAD compares: African/African-American, 0.0013%; no homozygotes.

Submission:

GeneDx
Classification: Uncertain significance. Last evaluated: 2025-09-20. Review status: criteria provided, single submitter. Criteria: GeneDx Variant Classification Process June 2021. Collection method: clinical testing. Allele origin: germline. Affected: yes.
Comment: Not observed at significant frequency in large population cohorts (gnomAD); In silico analysis suggests that this missense variant does not alter protein structure/function; Has not been previously published as pathogenic or benign to our knowledge

NM_001170629.2(CHD8):c.6970A>G (p.Thr2324Ala)

Genes: CHD8 (chromodomain helicase DNA binding protein 8; minus strand), LOC126861888 (CDK7 strongly-dependent group 2 enhancer GRCh37_chr14:21859227-21860426; plus strand). Cytogenetic location: 14q11.2.
Variant type: single nucleotide variant.
Coding change: c.6970A>G on transcript NM_001170629.2 (MANE Select); coding-DNA position 6970, A replaced by G.
Protein change: p.Thr2324Ala; replaces threonine 2324 with alanine.
Molecular consequence: missense variant.
Genome position (GRCh38, 1-based): chr14:21,391,558, T>C on the plus strand (A>G on the coding strand, the complement: CHD8 is on the minus strand). VCF-style: chr14-21391558-T-C. GRCh37 (hg19) VCF-style: chr14-21859717-T-C.
Other names: c.6133A>G, p.Thr2045Ala (NM_020920.4); short protein forms T2045A, T2324A.
Identifiers: ClinVar variation 3371812 (VCV003371812.2).